The following is an entry in ClinVar:

ClinVar aggregate classification (germline): Likely benign. Review status: criteria provided, single submitter (1 of 4 stars). 2 submissions from 2 submitters: Likely benign (1). 1 of the submissions does not count toward it. Last evaluated 2025-06-15.

Conditions:
RAI1-related disorder. Also called: RAI1-related condition.

Allele frequency attached by ClinVar (database versions not stated): gnomAD 0.00001; gnomAD exomes 0.00002; TOPMed 0.00002; ExAC 0.00003.
gnomAD v4.1: 12 of 1,613,254 alleles (0.00074%); highest among the groups gnomAD compares: Admixed American, 0.0033%; no homozygotes.

Submissions (2):

Labcorp Genetics (formerly Invitae), Labcorp
Classification: Likely benign. Last evaluated: 2025-06-15. Review status: criteria provided, single submitter. Criteria: Invitae Variant Classification Sherloc (09022015). Collection method: clinical testing. Allele origin: germline.

PreventionGenetics, part of Exact Sciences
Classification: Likely benign for RAI1-related condition. Last evaluated: 2020-07-25. Review status: no assertion criteria provided. Collection method: clinical testing. Allele origin: germline. Not counted in ClinVar's aggregate classification.
Comment: This variant is classified as likely benign based on ACMG/AMP sequence variant interpretation guidelines (Richards et al. 2015 PMID: 25741868, with internal and published modifications).

NM_030665.4(RAI1):c.2772C>T (p.Ser924=)

Gene: RAI1 (retinoic acid induced 1; plus strand). Cytogenetic location: 17p11.2.
Variant type: single nucleotide variant.
Coding change: c.2772C>T on transcript NM_030665.4 (MANE Select); coding-DNA position 2772, C replaced by T.
Protein change: p.Ser924=; no amino-acid change (serine 924 retained).
Molecular consequence: synonymous variant.
Genome position (GRCh38, 1-based): chr17:17,795,720, C>T. VCF-style: chr17-17795720-C-T. GRCh37 (hg19) VCF-style: chr17-17699034-C-T.
Other names: c.2772C>T (NM_030665.3).
Identifiers: ClinVar variation 1632830 (VCV001632830.10), dbSNP rs774492062, ClinGen allele CA8418604.